The following is an entry in ClinVar:

NM_015047.3(EMC1):c.1153C>T (p.Arg385Trp)

Genes: EMC1 (ER membrane protein complex subunit 1; minus strand), EMC1-AS1 (EMC1 antisense RNA 1; plus strand). Cytogenetic location: 1p36.13.
Variant type: single nucleotide variant.
Coding change: c.1153C>T on transcript NM_015047.3 (MANE Select); coding-DNA position 1153, C replaced by T.
Protein change: p.Arg385Trp; replaces arginine 385 with tryptophan.
Molecular consequence: missense variant.
Genome position (GRCh38, 1-based): chr1:19,238,076, G>A on the plus strand (C>T on the coding strand, the complement: EMC1 is on the minus strand). VCF-style: chr1-19238076-G-A. GRCh37 (hg19) VCF-style: chr1-19564570-G-A.
Other names: c.1150C>T, p.Arg384Trp (NM_001271427.2, NM_001375821.1); c.1153C>T, p.Arg385Trp (NM_001271428.2, NM_001375820.1); c.1087C>T, p.Arg363Trp (NM_001271429.2); short protein forms R363W, R385W, R384W.
Identifiers: ClinVar variation 1461425 (VCV001461425.8), dbSNP rs763069882, ClinGen allele CA652650.

ClinVar aggregate classification (germline): Uncertain significance (1 of 4 stars; one submission).

Allele frequency attached by ClinVar (database versions not stated): gnomAD 0.00001; gnomAD exomes 0.00001; ExAC 0.00002; TOPMed 0.00002.
gnomAD v4.1: 14 of 1,613,996 alleles (0.00087%); highest among the groups gnomAD compares: East Asian, 0.0022%; no homozygotes.

Submission:

Labcorp Genetics (formerly Invitae), Labcorp
Classification: Uncertain significance. Last evaluated: 2024-05-23. Review status: criteria provided, single submitter. Criteria: Invitae Variant Classification Sherloc (09022015). Collection method: clinical testing. Allele origin: germline.
Comment: This sequence change replaces arginine, which is basic and polar, with tryptophan, which is neutral and slightly polar, at codon 385 of the EMC1 protein (p.Arg385Trp). This variant is present in population databases (rs763069882, gnomAD 0.002%). This variant has not been reported in the literature in individuals affected with EMC1-related conditions. ClinVar contains an entry for this variant (Variation ID: 1461425). Advanced modeling of protein sequence and biophysical properties (such as structural, functional, and spatial information, amino acid conservation, physicochemical variation, residue mobility, and thermodynamic stability) performed at Invitae indicates that this missense variant is expected to disrupt EMC1 protein function with a positive predictive value of 80%. In summary, the available evidence is currently insufficient to determine the role of this variant in disease. Therefore, it has been classified as a Variant of Uncertain Significance.